The following is an entry in ClinVar:

NM_000257.4(MYH7):c.11C>G (p.Ser4Trp)

Gene: MYH7 (myosin heavy chain 7; minus strand). Cytogenetic location: 14q11.2.
Variant type: single nucleotide variant.
Coding change: c.11C>G on transcript NM_000257.4 (MANE Select); coding-DNA position 11, C replaced by G.
Protein change: p.Ser4Trp; replaces serine 4 with tryptophan.
Molecular consequence: missense variant.
Genome position (GRCh38, 1-based): chr14:23,433,722, G>C on the plus strand (C>G on the coding strand, the complement: MYH7 is on the minus strand). VCF-style: chr14-23433722-G-C. GRCh37 (hg19) VCF-style: chr14-23902931-G-C.
Other names: short protein forms S4W.
Identifiers: ClinVar variation 524950 (VCV000524950.8), dbSNP rs758659692, ClinGen allele CA389054232.

ClinVar aggregate classification (germline): Uncertain significance (1 of 4 stars; one submission).

Conditions:
Hypertrophic cardiomyopathy. Also called: HYPERTROPHIC MYOCARDIOPATHY. Identifiers: Orphanet 217569, MedGen C0007194, MeSH D002312, MONDO:0005045, HP:0001639.

gnomAD v4.1: 1 of 1,613,970 alleles (0.000062%); highest among the groups gnomAD compares: Non-Finnish European, 0.000085%; no homozygotes.

Submission:

Labcorp Genetics (formerly Invitae), Labcorp
Classification: Uncertain significance for Hypertrophic cardiomyopathy. Last evaluated: 2018-02-15. Review status: criteria provided, single submitter. Criteria: Invitae Variant Classification Sherloc (09022015). Collection method: clinical testing. Allele origin: germline.
Comment: A computational algorithm designed to assess the pathogenicity of variants in MYH7 with regard to hypertrophic cardiomyopathy predicted this sequence change to be tolerated. The algorithm has a sensitivity of 94% and a specificity of 89% (PMID: 21310275). This sequence change replaces serine with tryptophan at codon 4 of the MYH7 protein (p.Ser4Trp). The serine residue is weakly conserved and there is a large physicochemical difference between serine and tryptophan. This variant is not present in population databases (ExAC no frequency). This variant has not been reported in the literature in individuals with MYH7-related disease. However, a different sequence change affecting the same codon, p.Ser4Leu, has been reported in individuals affected with hypertrophic cardiomyopathy (PMID: 19150014, 22765922, 25342278). In summary, the available evidence is currently insufficient to determine the role of this variant in disease. Therefore, it has been classified as a Variant of Uncertain Significance.

Literature cited by the submitters: PubMed 21310275; PubMed 19150014; PubMed 22765922; PubMed 25342278.